The following is an entry in ClinVar:

ClinVar aggregate classification (germline): Uncertain significance (1 of 4 stars; one submission).

Conditions:
Familial hemophagocytic lymphohistiocytosis 3 (FHL3). Also called: UNC13D-Related Familial Hemophagocytic Lymphohistiocytosis (UNC13D-fHLH). Identifiers: Orphanet 540, MedGen C1837174, MONDO:0012146, OMIM 608898.

Submission:

Labcorp Genetics (formerly Invitae), Labcorp
Classification: Uncertain significance for Familial hemophagocytic lymphohistiocytosis 3. Last evaluated: 2025-03-31. Review status: criteria provided, single submitter. Criteria: Invitae Variant Classification Sherloc (09022015). Collection method: clinical testing. Allele origin: germline.
Comment: This sequence change falls in intron 8 of the UNC13D gene. It does not directly change the encoded amino acid sequence of the UNC13D protein. It affects a nucleotide within the consensus splice site. This variant is present in population databases (no rsID available, gnomAD no frequency). This variant has not been reported in the literature in individuals affected with UNC13D-related conditions. ClinVar contains an entry for this variant (Variation ID: 2051854). Variants that disrupt the consensus splice site are a relatively common cause of aberrant splicing (PMID: 17576681, 9536098). Algorithms developed to predict the effect of sequence changes on RNA splicing suggest that this variant is not likely to affect RNA splicing. In summary, the available evidence is currently insufficient to determine the role of this variant in disease. Therefore, it has been classified as a Variant of Uncertain Significance.

Literature cited by the submitters: PubMed 17576681; PubMed 9536098.

NM_199242.3(UNC13D):c.683+4C>G

Gene: UNC13D (unc-13 homolog D; minus strand). Cytogenetic location: 17q25.1.
Variant type: single nucleotide variant.
Coding change: c.683+4C>G on transcript NM_199242.3 (MANE Select); 4 bases into the intron after coding-DNA position 683, C replaced by G.
Molecular consequence: intron variant.
Genome position (GRCh38, 1-based): chr17:75,840,758, G>C on the plus strand (C>G on the coding strand, the complement: UNC13D is on the minus strand). VCF-style: chr17-75840758-G-C. GRCh37 (hg19) VCF-style: chr17-73836839-G-C.
Identifiers: ClinVar variation 2051854 (VCV002051854.4), dbSNP rs374832914, ClinGen allele CA627596882.